The following is an entry in ClinVar:

ClinVar aggregate classification (germline): Uncertain significance. Review status: criteria provided, multiple submitters, no conflicts (2 of 4 stars). 2 submissions from 2 submitters: Uncertain significance (2). Last evaluated 2025-12-28.

Conditions:
Hermansky-Pudlak syndrome 10 (HPS10). Identifiers: Orphanet 664511, MedGen C4310746, MONDO:0014885, OMIM 617050.

Allele frequency attached by ClinVar (database versions not stated): gnomAD 0.00003; TOPMed 0.00002.
gnomAD v4.1: 45 of 1,553,634 alleles (0.0029%); highest among the groups gnomAD compares: Non-Finnish European, 0.0038%; no homozygotes.

Submissions (2):

Labcorp Genetics (formerly Invitae), Labcorp
Classification: Uncertain significance. Last evaluated: 2025-12-28. Review status: criteria provided, single submitter. Criteria: Invitae Variant Classification Sherloc (09022015). Collection method: clinical testing. Allele origin: germline.
Comment: This sequence change falls in intron 22 of the AP3D1 gene. It does not directly change the encoded amino acid sequence of the AP3D1 protein. It affects a nucleotide within the consensus splice site. The frequency data for this variant in the population databases is considered unreliable, as metrics indicate poor data quality at this position in the gnomAD database. This variant has not been reported in the literature in individuals affected with AP3D1-related conditions. ClinVar contains an entry for this variant (Variation ID: 1675095). Variants that disrupt the consensus splice site are a relatively common cause of aberrant splicing (PMID: 17576681, 9536098). Algorithms developed to predict the effect of sequence changes on RNA splicing suggest that this variant is not likely to affect RNA splicing. In summary, the available evidence is currently insufficient to determine the role of this variant in disease. Therefore, it has been classified as a Variant of Uncertain Significance.

Center for Genomics, Ann and Robert H. Lurie Children's Hospital of Chicago
Classification: Uncertain significance for Hermansky-Pudlak syndrome 10. Last evaluated: 2021-04-30. Review status: criteria provided, single submitter. Criteria: ACMG Guidelines, 2015. Collection method: clinical testing. Allele origin: germline.
Comment: AP3D1 NM_001261826.1 intron 22 c.2601+6G>T:This variant has not been reported in the literature but is present in 0.05% (4/68010) of European alleles in the Genome Aggregation Database. Evolutionary conservation and computational predictive tools for this variant are limited or unavailable. Although this variant occurs in the splice region, computational prediction tools do not suggest that it alters splicing. However, further studies are needed to understand its impact. In summary, data on this variant is insufficient for disease classification. Therefore, the clinical significance of this variant is uncertain.

Literature cited by the submitters: PubMed 17576681 (cited by Labcorp Genetics (formerly Invitae), Labcorp); PubMed 9536098 (cited by Labcorp Genetics (formerly Invitae), Labcorp).

NM_001261826.3(AP3D1):c.2601+6G>T

Gene: AP3D1 (adaptor related protein complex 3 subunit delta 1; minus strand). Cytogenetic location: 19p13.3.
Variant type: single nucleotide variant.
Coding change: c.2601+6G>T on transcript NM_001261826.3 (MANE Select); 6 bases into the intron after coding-DNA position 2601, G replaced by T.
Molecular consequence: intron variant.
Genome position (GRCh38, 1-based): chr19:2,114,119, C>A on the plus strand (G>T on the coding strand, the complement: AP3D1 is on the minus strand). VCF-style: chr19-2114119-C-A. GRCh37 (hg19) VCF-style: chr19-2114118-C-A.
Other names: c.2601+6G>T (NM_003938.8, NM_001374799.1).
Identifiers: ClinVar variation 1675095 (VCV001675095.4), dbSNP rs1265838305, ClinGen allele CA631305098.